The following is an entry in ClinVar:

ClinVar aggregate classification (germline): Uncertain significance (1 of 4 stars; one submission).

Conditions:
Cardiovascular phenotype. Identifiers: MedGen CN230736.

Submission:

Ambry Genetics
Classification: Uncertain significance for Cardiovascular phenotype. Last evaluated: 2025-05-15. Review status: criteria provided, single submitter. Criteria: Ambry Variant Classification Scheme 2023. Collection method: clinical testing. Allele origin: germline.
Comment: The p.T3736I variant (also known as c.11207C>T), located in coding exon 2 of the ZNF469 gene, results from a C to T substitution at nucleotide position 11207. The threonine at codon 3736 is replaced by isoleucine, an amino acid with similar properties. This amino acid position is conserved. In addition, this alteration is predicted to be tolerated by in silico analysis. Based on the available evidence, the clinical significance of this variant remains unclear.

NM_001367624.2(ZNF469):c.11291C>T (p.Thr3764Ile)

Gene: ZNF469 (zinc finger protein 469; plus strand). Cytogenetic location: 16q24.2.
Variant type: single nucleotide variant.
Coding change: c.11291C>T on transcript NM_001367624.2 (MANE Select); coding-DNA position 11291, C replaced by T.
Protein change: p.Thr3764Ile; replaces threonine 3764 with isoleucine.
Molecular consequence: missense variant.
Genome position (GRCh38, 1-based): chr16:88,438,761, C>T. VCF-style: chr16-88438761-C-T. GRCh37 (hg19) VCF-style: chr16-88505169-C-T.
Other names: NM_001127464.1:c.11207C>T; short protein forms T3764I.
Identifiers: ClinVar variation 3987346 (VCV003987346.1).